The following is an entry in ClinVar:

NM_001042492.3(NF1):c.5181dup (p.Ala1728fs)

Gene: NF1 (neurofibromin 1; plus strand). Cytogenetic location: 17q11.2.
Variant type: Duplication.
Coding change: c.5181dup on transcript NM_001042492.3 (MANE Select); coding-DNA position 5181, one base duplicated (T; older notation c.5181dupT).
Protein change: p.Ala1728fs; shifts the reading frame from alanine 1728.
Molecular consequence: frameshift variant.
Genome position (GRCh38, 1-based): chr17:31,326,165, T duplicated. VCF-style (leftmost placement, unchanged base first): chr17-31326164-C-CT. GRCh37 (hg19) VCF-style: chr17-29653182-C-CT.
Other names: c.5118dup, p.Ala1707Cysfs (NM_000267.4); short protein forms A1728fs, A1707fs.
Identifiers: ClinVar variation 2773236 (VCV002773236.3), dbSNP rs2508697886, ClinGen allele CA2697559591.

ClinVar aggregate classification (germline): Pathogenic (1 of 4 stars; one submission).

Conditions:
Neurofibromatosis, type 1 (NF1). Also called: VON RECKLINGHAUSEN DISEASE; Peripheral type neurofibromatosis; Neurofibromatosis, type I; NEUROFIBROMATOSIS, TYPE I, SOMATIC. Identifiers: Orphanet 636, MedGen C0027831, MONDO:0018975, OMIM 162200. Disease mechanism: loss of function.

Submission:

Labcorp Genetics (formerly Invitae), Labcorp
Classification: Pathogenic for Neurofibromatosis, type 1. Last evaluated: 2023-08-10. Review status: criteria provided, single submitter. Criteria: Invitae Variant Classification Sherloc (09022015). Collection method: clinical testing. Allele origin: germline.
Comment: This sequence change creates a premature translational stop signal (p.Ala1707Cysfs*29) in the NF1 gene. It is expected to result in an absent or disrupted protein product. Loss-of-function variants in NF1 are known to be pathogenic (PMID: 10712197, 23913538). This variant is not present in population databases (gnomAD no frequency). This variant has not been reported in the literature in individuals affected with NF1-related conditions. For these reasons, this variant has been classified as Pathogenic.

Literature cited by the submitters: PubMed 10712197; PubMed 23913538.